The following is an entry in ClinVar:

NC_000016.10:g.(?_23603313)_(23641157_?)del

Gene: PALB2 (partner and localizer of BRCA2; minus strand). Cytogenetic location: 16p12.2.
Variant type: Deletion.
Identifiers: ClinVar variation 831610 (VCV000831610.6).

ClinVar aggregate classification (germline): Pathogenic (1 of 4 stars; one submission).

Conditions:
Familial cancer of breast. Also called: BREAST CANCER, FAMILIAL; Hereditary breast cancer; hereditary breast carcinoma. Identifiers: Orphanet 227535, MedGen C0346153, MONDO:0016419, OMIM 114480. Disease mechanism: loss of function.

Submission:

Labcorp Genetics (formerly Invitae), Labcorp
Classification: Pathogenic for Familial cancer of breast. Last evaluated: 2022-09-11. Review status: criteria provided, single submitter. Criteria: Invitae Variant Classification Sherloc (09022015). Collection method: clinical testing. Allele origin: germline.
Comment: A gross deletion of the genomic region encompassing the full coding sequence of the PALB2 gene has been identified. Loss-of-function variants in PALB2 are known to be pathogenic (PMID: 17200668, 17200671, 17200672, 24136930, 25099575). The boundaries of this event are unknown as they extend beyond the assayed region for this gene and therefore may encompass additional genes. This variant has not been reported in the literature in individuals affected with PALB2-related conditions. For these reasons, this variant has been classified as Pathogenic.

Literature cited by the submitters: PubMed 17200668; PubMed 17200671; PubMed 17200672; PubMed 24136930; PubMed 25099575.